The following is an entry in ClinVar:

NM_006949.4(STXBP2):c.1111C>T (p.Leu371=)

Gene: STXBP2 (syntaxin binding protein 2; plus strand). Cytogenetic location: 19p13.2.
Variant type: single nucleotide variant.
Coding change: c.1111C>T on transcript NM_006949.4 (MANE Select); coding-DNA position 1111, C replaced by T.
Protein change: p.Leu371=; no amino-acid change (leucine 371 retained).
Molecular consequence: synonymous variant. On other transcripts: non-coding transcript variant (1).
Genome position (GRCh38, 1-based): chr19:7,644,617, C>T. VCF-style: chr19-7644617-C-T. GRCh37 (hg19) VCF-style: chr19-7709503-C-T.
Other names: p.Leu371=; c.1102C>T, p.Leu368= (NM_001127396.3); c.1144C>T, p.Leu382= (NM_001272034.2); c.1015C>T, p.Leu339= (NM_001414484.1).
Identifiers: ClinVar variation 2731984 (VCV002731984.4), dbSNP rs2032053591, ClinGen allele CA505237985.

ClinVar aggregate classification (germline): Likely benign. Review status: criteria provided, multiple submitters, no conflicts (2 of 4 stars). 2 submissions from 2 submitters: Likely benign (2). Last evaluated 2025-07-18.

Conditions:
Familial hemophagocytic lymphohistiocytosis 5. Also called: STXBP2-Related Familial Hemophagocytic Lymphohistiocytosis (STXBP2-fHLH). Identifiers: Orphanet 540, MedGen C2751293, MONDO:0013135, OMIM 613101.

Allele frequency attached by ClinVar (database versions not stated): gnomAD exomes below 0.00001.

Submissions (2):

Labcorp Genetics (formerly Invitae), Labcorp
Classification: Likely benign for Familial hemophagocytic lymphohistiocytosis 5. Last evaluated: 2025-07-18. Review status: criteria provided, single submitter. Criteria: Invitae Variant Classification Sherloc (09022015). Collection method: clinical testing. Allele origin: germline.

Mayo Clinic Laboratories, Mayo Clinic
Classification: Likely benign. Last evaluated: 2025-06-05. Review status: criteria provided, single submitter. Criteria: ACMG Guidelines, 2015. Collection method: clinical testing. Allele origin: germline. Observed: 1 variant allele.
Comment: BP4, BP7